The following is an entry in ClinVar:

NM_172201.2(KCNE2):c.117del (p.Val41fs)

Genes: KCNE2 (potassium voltage-gated channel subfamily E regulatory subunit 2; plus strand), LOC105372791 (uncharacterized LOC105372791; minus strand). Cytogenetic location: 21q22.11.
Variant type: Deletion.
Coding change: c.117del on transcript NM_172201.2 (MANE Select); coding-DNA position 117, one base deleted (C; older notation c.117delC).
Protein change: p.Val41fs; shifts the reading frame from valine 41.
Molecular consequence: frameshift variant. On other transcripts: non-coding transcript variant (2).
Genome position (GRCh38, 1-based): chr21:34,370,595, C deleted; the last of 2 consecutive C bases (chr21:34,370,594-34,370,595); deleting either gives the same sequence. VCF-style (leftmost placement, unchanged base first): chr21-34370593-GC-G. GRCh37 (hg19) VCF-style: chr21-35742892-GC-G.
Other names: short protein forms V41fs.
Identifiers: ClinVar variation 3607538 (VCV003607538.3).

ClinVar aggregate classification (germline): Uncertain significance. Review status: criteria provided, multiple submitters, no conflicts (2 of 4 stars). 2 submissions from 2 submitters: Uncertain significance (2). Last evaluated 2024-12-26.

Conditions:
Long QT syndrome 6 (LQT6). Identifiers: Orphanet 101016, Orphanet 768, MedGen C3150953, MONDO:0013370, OMIM 613693.
Cardiovascular phenotype. Identifiers: MedGen CN230736.

Submissions (2):

Ambry Genetics
Classification: Uncertain significance for Cardiovascular phenotype. Last evaluated: 2024-12-26. Review status: criteria provided, single submitter. Criteria: Ambry Variant Classification Scheme 2023. Collection method: clinical testing. Allele origin: germline.
Comment: The c.117delC variant, located in coding exon 1 of the KCNE2 gene, results from a deletion of one nucleotide at nucleotide position 117, causing a translational frameshift with a predicted alternate stop codon (p.V41Lfs*15). This alteration is expected to result in loss of function by premature protein truncation or nonsense-mediated mRNA decay. However, the evidence for this gene-disease relationship is limited; therefore, the clinical significance of this alteration is unclear.

Labcorp Genetics (formerly Invitae), Labcorp
Classification: Uncertain significance for Long QT syndrome 6. Last evaluated: 2024-06-30. Review status: criteria provided, single submitter. Criteria: Invitae Variant Classification Sherloc (09022015). Collection method: clinical testing. Allele origin: germline.
Comment: This sequence change creates a premature translational stop signal (p.Val41Leufs*15) in the KCNE2 gene. While this is not anticipated to result in nonsense mediated decay, it is expected to disrupt the last 83 amino acid(s) of the KCNE2 protein. This variant is not present in population databases (gnomAD no frequency). This variant has not been reported in the literature in individuals affected with KCNE2-related conditions. In summary, the available evidence is currently insufficient to determine the role of this variant in disease. Therefore, it has been classified as a Variant of Uncertain Significance.